The following is an entry in ClinVar:

ClinVar aggregate classification (germline): Uncertain significance (1 of 4 stars; one submission).

Submission:

CeGaT Center for Human Genetics Tuebingen
Classification: Uncertain significance. Last evaluated: 2024-11-01. Review status: criteria provided, single submitter. Criteria: CeGaT Center For Human Genetics Tuebingen Variant Classification Criteria Version 2. Collection method: clinical testing. Allele origin: germline. Affected: yes. Observed: 1 variant allele.
Comment: PI4KB: PM2

NM_001369623.2(PI4KB):c.605G>A (p.Cys202Tyr)

Gene: PI4KB (phosphatidylinositol 4-kinase beta; minus strand). Cytogenetic location: 1q21.3.
Variant type: single nucleotide variant.
Coding change: c.605G>A on transcript NM_001369623.2 (MANE Select); coding-DNA position 605, G replaced by A.
Protein change: p.Cys202Tyr; replaces cysteine 202 with tyrosine.
Molecular consequence: missense variant. On other transcripts: intron variant (1).
Genome position (GRCh38, 1-based): chr1:151,315,877, C>T on the plus strand (G>A on the coding strand, the complement: PI4KB is on the minus strand). VCF-style: chr1-151315877-C-T. GRCh37 (hg19) VCF-style: chr1-151288353-C-T.
Other names: c.605G>A, p.Cys202Tyr (NM_001198773.3, NM_001198774.2, NM_001330721.2 and 3 more transcripts); c.641G>A, p.Cys214Tyr (NM_001369625.1, NM_001369628.1, NM_002651.4); c.-42-8076G>A (NM_001198775.3); short protein forms C202Y, C214Y.
Identifiers: ClinVar variation 3390118 (VCV003390118.14).